The following is an entry in ClinVar:

ClinVar aggregate classification (germline): Uncertain significance (1 of 4 stars; one submission).

Allele frequency attached by ClinVar (database versions not stated): gnomAD exomes below 0.00001.
gnomAD v4.1: 3 of 1,603,392 alleles (0.00019%); highest among the groups gnomAD compares: Non-Finnish European, 0.00026%; no homozygotes.

Submission:

Labcorp Genetics (formerly Invitae), Labcorp
Classification: Uncertain significance. Last evaluated: 2023-12-09. Review status: criteria provided, single submitter. Criteria: Invitae Variant Classification Sherloc (09022015). Collection method: clinical testing. Allele origin: germline.
Comment: This sequence change replaces serine, which is neutral and polar, with arginine, which is basic and polar, at codon 593 of the KIAA1549 protein (p.Ser593Arg). This variant is not present in population databases (gnomAD no frequency). This variant has not been reported in the literature in individuals affected with KIAA1549-related conditions. An algorithm developed to predict the effect of missense changes on protein structure and function (PolyPhen-2) suggests that this variant¬†is likely to be tolerated. In summary, the available evidence is currently insufficient to determine the role of this variant in disease. Therefore, it has been classified as a Variant of Uncertain Significance.

NM_001164665.2(KIAA1549):c.1779T>G (p.Ser593Arg)

Gene: KIAA1549 (KIAA1549; minus strand). Cytogenetic location: 7q34.
Variant type: single nucleotide variant.
Coding change: c.1779T>G on transcript NM_001164665.2 (MANE Select); coding-DNA position 1779, T replaced by G.
Protein change: p.Ser593Arg; replaces serine 593 with arginine.
Molecular consequence: missense variant.
Genome position (GRCh38, 1-based): chr7:138,917,847, A>C on the plus strand (T>G on the coding strand, the complement: KIAA1549 is on the minus strand). VCF-style: chr7-138917847-A-C. GRCh37 (hg19) VCF-style: chr7-138602593-A-C.
Other names: c.1779T>G, p.Ser593Arg (NM_020910.3); short protein forms S593R.
Identifiers: ClinVar variation 2701644 (VCV002701644.1), dbSNP rs758551531, ClinGen allele CA4506632.